The following is an entry in ClinVar:

NM_001267550.2(TTN):c.49700C>A (p.Ser16567Ter)

Genes: TTN (titin; minus strand), TTN-AS1 (TTN antisense RNA 1; plus strand). Cytogenetic location: 2q31.2.
Variant type: single nucleotide variant.
Coding change: c.49700C>A on transcript NM_001267550.2 (MANE Select); coding-DNA position 49700, C replaced by A.
Protein change: p.Ser16567Ter; replaces serine 16567 with a stop codon.
Molecular consequence: nonsense.
Genome position (GRCh38, 1-based): chr2:178,613,021, G>T on the plus strand (C>A on the coding strand, the complement: TTN is on the minus strand). VCF-style: chr2-178613021-G-T. GRCh37 (hg19) VCF-style: chr2-179477748-G-T.
Other names: c.44777C>A, p.Ser14926Ter (NM_001256850.1); c.22505C>A, p.Ser7502Ter (NM_003319.4); c.41996C>A, p.Ser13999Ter (NM_133378.4); c.22880C>A, p.Ser7627Ter (NM_133432.3); c.23081C>A, p.Ser7694Ter (NM_133437.4); short protein forms S7627*, S16567*, S14926*, S7694*, S13999*, S7502*.
Identifiers: ClinVar variation 2952778 (VCV002952778.3), dbSNP rs1553699802, ClinGen allele CA349601420.

ClinVar aggregate classification (germline): Likely pathogenic (1 of 4 stars; one submission).

Conditions:
Autosomal recessive limb-girdle muscular dystrophy type 2J (LGMDR10). Also called: Limb-girdle muscular dystrophy, type 2J; MUSCULAR DYSTROPHY, LIMB-GIRDLE, AUTOSOMAL RECESSIVE 10. Identifiers: Orphanet 140922, MedGen C1837342, MONDO:0012127, OMIM 608807.
Dilated cardiomyopathy 1G (CMD1G). Identifiers: Orphanet 154, MedGen C1858763, MONDO:0011400, OMIM 604145.

Submission:

Labcorp Genetics (formerly Invitae), Labcorp
Classification: Likely pathogenic for Dilated cardiomyopathy 1G; Autosomal recessive limb-girdle muscular dystrophy type 2J. Last evaluated: 2024-03-16. Review status: criteria provided, single submitter. Criteria: Invitae Variant Classification Sherloc (09022015). Collection method: clinical testing. Allele origin: germline.
Comment: This sequence change creates a premature translational stop signal (p.Ser16567*) in the TTN gene. While this is not anticipated to result in nonsense mediated decay, it is expected to create a truncated TTN protein. This variant is not present in population databases (gnomAD no frequency). This premature translational stop signal has been observed in individual(s) with dilated cardiomyopathy (Invitae). Algorithms developed to predict the effect of sequence changes on RNA splicing suggest that this variant may disrupt the consensus splice site. This variant is located in the A band of TTN (PMID: 25589632). Truncating variants in this region are significantly overrepresented in patients affected with dilated cardiomyopathy (PMID: 25589632). Truncating variants in this region have also been reported in individuals affected with autosomal recessive centronuclear myopathy (PMID: 23975875). In summary, the currently available evidence indicates that the variant is pathogenic, but additional data are needed to prove that conclusively. Therefore, this variant has been classified as Likely Pathogenic.

Literature cited by the submitters: PubMed 25589632; PubMed 23975875.